The following is an entry in ClinVar:

ClinVar aggregate classification (germline): Uncertain significance (1 of 4 stars; one submission).

Submission:

Ambry Genetics
Classification: Uncertain significance. Last evaluated: 2026-02-21. Review status: criteria provided, single submitter. Criteria: Ambry Variant Classification Scheme 2023. Collection method: clinical testing. Allele origin: germline.
Comment: The p.S144R variant (also known as c.432C>A), located in coding exon 1 of the PALLD gene, results from a C to A substitution at nucleotide position 432. The serine at codon 144 is replaced by arginine, an amino acid with dissimilar properties. This amino acid position is conserved. In addition, this alteration is predicted to be tolerated by in silico analysis. Based on the available evidence, the clinical significance of this variant remains unclear.

NM_001166108.2(PALLD):c.1965-12599C>A

Gene: PALLD (palladin, cytoskeletal associated protein; plus strand). Cytogenetic location: 4q32.3.
Variant type: single nucleotide variant.
Coding change: c.1965-12599C>A on transcript NM_001166108.2 (MANE Select); 12599 bases into the intron before coding-DNA position 1965, C replaced by A.
Molecular consequence: intron variant. On other transcripts: missense variant (1).
Genome position (GRCh38, 1-based): chr4:168,878,323, C>A. VCF-style: chr4-168878323-C-A. GRCh37 (hg19) VCF-style: chr4-169799474-C-A.
Other names: c.432C>A, p.Ser144Arg (NM_001166110.2); c.1965-12599C>A (NM_016081.4); c.819-12599C>A (NM_001166109.2); c.-157-12599C>A (NM_001367570.1, NM_001367568.1, NM_001367567.1 and 1 more transcripts); short protein forms S144R.
Identifiers: ClinVar variation 4844656 (VCV004844656.1).